The following is an entry in ClinVar:

ClinVar aggregate classification (germline): Pathogenic (1 of 4 stars; one submission).

gnomAD v4.1: 2 of 1,614,146 alleles (0.00012%); highest among the groups gnomAD compares: Non-Finnish European, 0.00017%; no homozygotes.

Submission:

Labcorp Genetics (formerly Invitae), Labcorp
Classification: Pathogenic. Last evaluated: 2022-09-13. Review status: criteria provided, single submitter. Criteria: Invitae Variant Classification Sherloc (09022015). Collection method: clinical testing. Allele origin: germline.
Comment: For these reasons, this variant has been classified as Pathogenic. This variant has not been reported in the literature in individuals affected with TUBGCP4-related conditions. This variant is not present in population databases (gnomAD no frequency). This sequence change creates a premature translational stop signal (p.Tyr267*) in the TUBGCP4 gene. It is expected to result in an absent or disrupted protein product. Loss-of-function variants in TUBGCP4 are known to be pathogenic (PMID: 25817018).

Literature cited by the submitters: PubMed 25817018.

NM_014444.5(TUBGCP4):c.801C>A (p.Tyr267Ter)

Gene: TUBGCP4 (tubulin gamma complex component 4; plus strand). Cytogenetic location: 15q15.3.
Variant type: single nucleotide variant.
Coding change: c.801C>A on transcript NM_014444.5 (MANE Select); coding-DNA position 801, C replaced by A.
Protein change: p.Tyr267Ter; replaces tyrosine 267 with a stop codon.
Molecular consequence: nonsense.
Genome position (GRCh38, 1-based): chr15:43,385,868, C>A. VCF-style: chr15-43385868-C-A. GRCh37 (hg19) VCF-style: chr15-43678066-C-A.
Other names: c.801C>A, p.Tyr267Ter (NM_001286414.3); short protein forms Y267*.
Identifiers: ClinVar variation 2023217 (VCV002023217.4), dbSNP rs2543016641, ClinGen allele CA392122467.